The following is an entry in ClinVar:

ClinVar aggregate classification (germline): Pathogenic/Likely pathogenic. Review status: criteria provided, multiple submitters, no conflicts (2 of 4 stars). 11 submissions from 11 submitters: Pathogenic (7); Likely pathogenic (3). 1 of the submissions does not count toward it. Last evaluated 2024-06-18.

Conditions:
PPP3CA-related disorder. Also called: PPP3CA-related condition; PPP3CA-related disorders.
Epileptic encephalopathy. Identifiers: MedGen C0543888, HP:0200134.
Arthrogryposis, cleft palate, craniosynostosis, and impaired intellectual development. Identifiers: Orphanet 565858, MedGen C4748872, MONDO:0032642, OMIM 618265.
Developmental and epileptic encephalopathy 91. Also called: EPILEPTIC ENCEPHALOPATHY, INFANTILE OR EARLY CHILDHOOD, 1. Identifiers: MedGen C4540199, MONDO:0020630, OMIM 617711.
Inborn genetic diseases. Identifiers: MedGen C0950123, MeSH D030342.

Submissions (11):

Blueprint Genetics
Classification: Likely pathogenic for PPP3CA-related disorders. Last evaluated: 2024-06-18. Review status: criteria provided, single submitter. Criteria: ACMG Guidelines, 2015. Collection method: clinical testing. Allele origin: germline. Affected: yes. Observed: 1 variant allele.

Unidad de Genómica Garrahan, Hospital de Pediatría Garrahan
Classification: Pathogenic for Epileptic encephalopathy. Last evaluated: 2024-01-11. Review status: criteria provided, single submitter. Criteria: ACMG Guidelines, 2015. Collection method: clinical testing. Allele origin: germline. Affected: yes.

Labcorp Genetics (formerly Invitae), Labcorp
Classification: Pathogenic. Last evaluated: 2023-09-03. Review status: criteria provided, single submitter. Criteria: Invitae Variant Classification Sherloc (09022015). Collection method: clinical testing. Allele origin: germline.
Comment: For these reasons, this variant has been classified as Pathogenic. Advanced modeling of protein sequence and biophysical properties (such as structural, functional, and spatial information, amino acid conservation, physicochemical variation, residue mobility, and thermodynamic stability) performed at Invitae indicates that this missense variant is expected to disrupt PPP3CA protein function. ClinVar contains an entry for this variant (Variation ID: 441275). This missense change has been observed in individual(s) with PPP3CA-related conditions (PMID: 28942967). In at least one individual the variant was observed to be de novo. This variant is not present in population databases (gnomAD no frequency). This sequence change replaces glutamic acid, which is acidic and polar, with lysine, which is basic and polar, at codon 282 of the PPP3CA protein (p.Glu282Lys).

MGZ Medical Genetics Center
Classification: Pathogenic for Developmental and epileptic encephalopathy 91. Last evaluated: 2022-08-25. Review status: criteria provided, single submitter. Criteria: ACMG Guidelines, 2015. Collection method: clinical testing. Allele origin: germline. Affected: yes. Observed: 1 variant allele.
Comment: ACMG criteria applied: PS2, PS4, PM2_SUP, PP2

Clinical Genetics Laboratory, Skane University Hospital Lund
Classification: Likely pathogenic. Last evaluated: 2022-05-27. Review status: criteria provided, single submitter. Criteria: ACMG Guidelines, 2015. Collection method: clinical testing. Allele origin: germline. Affected: yes.

GeneDx
Classification: Pathogenic. Last evaluated: 2022-03-31. Review status: criteria provided, single submitter. Criteria: GeneDx Variant Classification Process June 2021. Collection method: clinical testing. Allele origin: germline. Affected: yes.
Comment: Not observed at significant frequency in large population cohorts (gnomAD); In silico analysis supports that this missense variant has a deleterious effect on protein structure/function; This variant is associated with the following publications: (PMID: 11461966, 20700442, 10473536, 25262651, 27597899, 8052858, 15800199, 25245802, 3029762, 24140049, 22015374, 10627609, 28942967, 33963760)

Victorian Clinical Genetics Services, Murdoch Childrens Research Institute
Classification: Pathogenic for Developmental and epileptic encephalopathy 91. Last evaluated: 2022-03-31. Review status: criteria provided, single submitter. Criteria: ACMG Guidelines, 2015. Collection method: clinical testing. Allele origin: germline. Inheritance: Autosomal dominant inheritance. Affected: yes.
Comment: Based on the classification scheme VCGS_Germline_v1.3.4, this variant is classified as Pathogenic. Following criteria are met: 0103 - Loss of function and gain of function are known mechanisms of disease in this gene and are associated with developmental and epileptic encephalopathy 91 (MIM#617711), and arthrogryposis, cleft palate, craniosynostosis and impaired intellectual development (MIM#618265), respectively (PMIDs: 32593294, 29432562). (I) 0107 - This gene is associated with autosomal dominant disease. (I) 0200 - Variant is predicted to result in a missense amino acid change from glutamic acid to lysine. (I) 0251 - This variant is heterozygous. (I) 0301 - Variant is absent from gnomAD (both v2 and v3). (SP) 0502 - Missense variant with conflicting in silico predictions and high conservation. (I) 0600 - Variant is located in the annotated protein phosphatase 2B (PP2B) catalytic domain (PMID: 28942967). (I) 0705 - No comparable missense variants have previous evidence for pathogenicity. (I) 0801 - This variant has strong previous evidence of pathogenicity in unrelated individuals. It has been reported as de novo in multiple affected individuals (PMIDs: 28942967, 33963760). (SP) 1010 - Functional evidence for this variant is inconclusive. Overexpression studies using yeast showed the mutant maintained tolerance to growth condition with high extracellular Ca2+, similar to wild-type (PMID: 29432562). (I) 1208 - Inheritance information for this variant is not currently available in this individual. (I) Legend: (SP) - Supporting pathogenic, (I) - Information, (SB) - Supporting benign

Baylor Genetics
Classification: Pathogenic for Developmental and epileptic encephalopathy 91. Last evaluated: 2021-01-29. Review status: criteria provided, single submitter. Criteria: ACMG Guidelines, 2015. Collection method: clinical testing. Allele origin: de novo. Affected: yes. Observed: 1 variant allele.

Ambry Genetics
Classification: Likely pathogenic for Inborn genetic diseases. Last evaluated: 2016-11-14. Review status: criteria provided, single submitter. Criteria: Ambry exome assertion method (8-5-2015). Collection method: clinical testing. Allele origin: germline. Affected: yes. Observed: 1 variant allele.

Molecular Genetics Lab, CHRU Brest
Classification: Pathogenic for Arthrogryposis, cleft palate, craniosynostosis, and impaired intellectual development; Developmental and epileptic encephalopathy 91. Review status: criteria provided, single submitter. Criteria: ACMG Guidelines, 2015. Collection method: clinical testing. Allele origin: de novo. Affected: yes.

OMIM
Classification: Pathogenic for DEVELOPMENTAL AND EPILEPTIC ENCEPHALOPATHY 91. Last evaluated: 2021-03-15. Review status: no assertion criteria provided. Collection method: literature only. Allele origin: germline. Not counted in ClinVar's aggregate classification.

Literature cited by the submitters: PubMed 28942967 (cited by 4 submitters); PubMed 29432562 (cited by Victorian Clinical Genetics Services, Murdoch Childrens Research Institute); PubMed 32593294 (cited by Victorian Clinical Genetics Services, Murdoch Childrens Research Institute); PubMed 33963760 (cited by Victorian Clinical Genetics Services, Murdoch Childrens Research Institute); PubMed 8524402 (cited by Ambry Genetics); PubMed 8052858 (cited by Ambry Genetics).

NM_000944.5(PPP3CA):c.844G>A (p.Glu282Lys)

Gene: PPP3CA (protein phosphatase 3 catalytic subunit alpha; minus strand). Cytogenetic location: 4q24.
Variant type: single nucleotide variant.
Coding change: c.844G>A on transcript NM_000944.5 (MANE Select); coding-DNA position 844, G replaced by A.
Protein change: p.Glu282Lys; replaces glutamic acid 282 with lysine.
Molecular consequence: missense variant.
Genome position (GRCh38, 1-based): chr4:101,083,202, C>T on the plus strand (G>A on the coding strand, the complement: PPP3CA is on the minus strand). VCF-style: chr4-101083202-C-T. GRCh37 (hg19) VCF-style: chr4-102004359-C-T.
Other names: c.844G>A, p.Glu282Lys (NM_001130691.2, NM_001130692.2); short protein forms E282K.
Identifiers: ClinVar variation 441275 (VCV000441275.18), dbSNP rs1553923787, ClinGen allele CA357948412.